The following is an entry in ClinVar:

ClinVar aggregate classification (germline): Pathogenic (1 of 4 stars; one submission).

gnomAD v4.1: 2 of 1,607,626 alleles (0.00012%); highest among the groups gnomAD compares: Non-Finnish European, 0.000085%; no homozygotes.

Submission:

GeneDx
Classification: Pathogenic. Last evaluated: 2025-01-23. Review status: criteria provided, single submitter. Criteria: GeneDx Variant Classification Process June 2021. Collection method: clinical testing. Allele origin: germline. Affected: yes.
Comment: Nonsense variant predicted to result in protein truncation or nonsense mediated decay in a gene for which loss of function is a known mechanism of disease; Not observed at significant frequency in large population cohorts (gnomAD); Has not been previously published as pathogenic or benign to our knowledge

NM_020987.5(ANK3):c.12487C>T (p.Arg4163Ter)

Gene: ANK3 (ankyrin 3; minus strand). Cytogenetic location: 10q21.2.
Variant type: single nucleotide variant.
Coding change: c.12487C>T on transcript NM_020987.5 (MANE Select); coding-DNA position 12487, C replaced by T.
Protein change: p.Arg4163Ter; replaces arginine 4163 with a stop codon.
Molecular consequence: nonsense.
Genome position (GRCh38, 1-based): chr10:60,063,219, G>A on the plus strand (C>T on the coding strand, the complement: ANK3 is on the minus strand). VCF-style: chr10-60063219-G-A. GRCh37 (hg19) VCF-style: chr10-61822977-G-A.
Other names: c.2050C>T, p.Arg684Ter (NM_001149.4); c.4630C>T, p.Arg1544Ter (NM_001204403.2); c.4651C>T, p.Arg1551Ter (NM_001204404.2); c.4648C>T, p.Arg1550Ter (NM_001320874.2); short protein forms R1544*, R1550*, R1551*, R4163*, R684*.
Identifiers: ClinVar variation 4071789 (VCV004071789.1).